The following is an entry in ClinVar:

ClinVar aggregate classification (germline): Benign/Likely benign. Review status: criteria provided, multiple submitters, no conflicts (2 of 4 stars). 3 submissions from 3 submitters: Benign (1); Likely benign (2). Last evaluated 2025-06-04.

Conditions:
Hereditary cancer-predisposing syndrome. Also called: Neoplastic Syndromes, Hereditary; Tumor predisposition; Hereditary Cancer Syndrome; Hereditary neoplastic syndrome. Identifiers: Orphanet 140162, MedGen C0027672, MeSH D009386, MONDO:0015356.
Tuberous sclerosis 2 (TSC2). Identifiers: Orphanet 805, MedGen C1860707, MONDO:0013199, OMIM 613254.

gnomAD v4.1: 1 of 1,612,760 alleles (0.000062%); highest among the groups gnomAD compares: East Asian, 0.0022%; no homozygotes.

Submissions (3):

Myriad Genetics, Inc.
Classification: Benign for Tuberous sclerosis 2. Last evaluated: 2025-06-04. Review status: criteria provided, single submitter. Criteria: Myriad Autosomal Dominant, Autosomal Recessive and X-Linked Classification Criteria (2023). Collection method: clinical testing. Allele origin: unknown.
Comment: This variant is considered benign. This variant is a silent/synonymous amino acid change and it is not expected to impact splicing.

Ambry Genetics
Classification: Likely benign for Hereditary cancer-predisposing syndrome. Last evaluated: 2023-04-11. Review status: criteria provided, single submitter. Criteria: Ambry Variant Classification Scheme 2023. Collection method: clinical testing. Allele origin: germline.

Labcorp Genetics (formerly Invitae), Labcorp
Classification: Likely benign for Tuberous sclerosis 2. Last evaluated: 2022-04-07. Review status: criteria provided, single submitter. Criteria: Invitae Variant Classification Sherloc (09022015). Collection method: clinical testing. Allele origin: germline.

NM_000548.5(TSC2):c.4587G>A (p.Arg1529=)

Gene: TSC2 (TSC complex subunit 2; plus strand). Cytogenetic location: 16p13.3.
Variant type: single nucleotide variant.
Coding change: c.4587G>A on transcript NM_000548.5 (MANE Select); coding-DNA position 4587, G replaced by A.
Protein change: p.Arg1529=; no amino-acid change (arginine 1529 retained).
Molecular consequence: synonymous variant.
Genome position (GRCh38, 1-based): chr16:2,085,247, G>A. VCF-style: chr16-2085247-G-A. GRCh37 (hg19) VCF-style: chr16-2135248-G-A.
Other names: c.4386G>A, p.Arg1462= (NM_001077183.3); c.4518G>A, p.Arg1506= (NM_001114382.3); c.4278G>A, p.Arg1426= (NM_001318827.2); c.4242G>A, p.Arg1414= (NM_001318829.2); c.3855G>A, p.Arg1285= (NM_001318831.2); c.4419G>A, p.Arg1473= (NM_001318832.2); c.4389G>A, p.Arg1463= (NM_001363528.2); c.4455G>A, p.Arg1485= (NM_001370404.1); and 2 more.
Identifiers: ClinVar variation 1123236 (VCV001123236.11), dbSNP rs2151550637, ClinGen allele CA492957949.